The following is an entry in ClinVar:

NM_001371904.1(APOA5):c.767A>T (p.Glu256Val)

Gene: APOA5 (apolipoprotein A5; minus strand). Cytogenetic location: 11q23.3.
Variant type: single nucleotide variant.
Coding change: c.767A>T on transcript NM_001371904.1 (MANE Select); coding-DNA position 767, A replaced by T.
Protein change: p.Glu256Val; replaces glutamic acid 256 with valine.
Molecular consequence: missense variant.
Genome position (GRCh38, 1-based): chr11:116,790,462, T>A on the plus strand (A>T on the coding strand, the complement: APOA5 is on the minus strand). VCF-style: chr11-116790462-T-A. GRCh37 (hg19) VCF-style: chr11-116661178-T-A.
Other names: c.767A>T, p.Glu256Val (NM_001166598.2, NM_052968.5); short protein forms E256V.
Identifiers: ClinVar variation 3414342 (VCV003414342.1).

ClinVar aggregate classification (germline): Uncertain significance (1 of 4 stars; one submission).

Conditions:
Cardiovascular phenotype. Identifiers: MedGen CN230736.

Submission:

Ambry Genetics
Classification: Uncertain significance for Cardiovascular phenotype. Last evaluated: 2024-09-24. Review status: criteria provided, single submitter. Criteria: Ambry Variant Classification Scheme 2023. Collection method: clinical testing. Allele origin: germline.
Comment: The p.E256V variant (also known as c.767A>T), located in coding exon 3 of the APOA5 gene, results from an A to T substitution at nucleotide position 767. The glutamic acid at codon 256 is replaced by valine, an amino acid with dissimilar properties. This amino acid position is conserved. In addition, the in silico prediction for this alteration is inconclusive. Based on the available evidence, the clinical significance of this variant remains unclear.